The following is an entry in ClinVar:

ClinVar aggregate classification (germline): Uncertain significance (1 of 4 stars; one submission).

Conditions:
TRIO-related disorder. Also called: TRIO-related condition; TRIO-related disorders.

gnomAD v4.1: 3 of 1,579,498 alleles (0.00019%); highest among the groups gnomAD compares: Non-Finnish European, 0.00026%; no homozygotes.

Submission:

PreventionGenetics, part of Exact Sciences
Classification: Uncertain significance for TRIO-related condition. Last evaluated: 2023-05-14. Review status: criteria provided, single submitter. Criteria: ACMG Guidelines, 2015. Collection method: clinical testing. Allele origin: germline.
Comment: The TRIO c.6826T>C variant is predicted to result in the amino acid substitution p.Phe2276Leu. To our knowledge, this variant has not been reported in the literature or in a large population database, indicating this variant is rare. At this time, the clinical significance of this variant is uncertain due to the absence of conclusive functional and genetic evidence.

NM_007118.4(TRIO):c.6826T>C (p.Phe2276Leu)

Gene: TRIO (trio Rho guanine nucleotide exchange factor; plus strand). Cytogenetic location: 5p15.2.
Variant type: single nucleotide variant.
Coding change: c.6826T>C on transcript NM_007118.4 (MANE Select); coding-DNA position 6826, T replaced by C.
Protein change: p.Phe2276Leu; replaces phenylalanine 2276 with leucine.
Molecular consequence: missense variant. On other transcripts: non-coding transcript variant (1).
Genome position (GRCh38, 1-based): chr5:14,485,237, T>C. VCF-style: chr5-14485237-T-C. GRCh37 (hg19) VCF-style: chr5-14485346-T-C.
Other names: short protein forms F2276L.
Identifiers: ClinVar variation 2632811 (VCV002632811.1), dbSNP rs769831956, ClinGen allele CA359236225.
Genomic context (GRCh38, chr5:14,485,237, plus strand): 5'-CCAAGTGTCCGGCAAACTTGGATCCATGAAATCAACCAAATTTTAGAAAACCAGCGCAAT[T>C]TTTTAAATGGTAATGTGTGTTCTGTTACTAGATGTGTGCTTTCTTTCCTCGTGTACTCAC-3'
Protein context (NP_009049.2, residues 2266-2286): INQILENQRN[Phe2276Leu]LNALTSPIEY